The following is an entry in ClinVar:

ClinVar aggregate classification (germline): Uncertain significance (1 of 4 stars; one submission).

Conditions:
Leber congenital amaurosis 12 (LCA12). Identifiers: Orphanet 65, MedGen C1857743, MONDO:0012525, OMIM 610612.

Allele frequency attached by ClinVar (database versions not stated): gnomAD 0.00001; TOPMed 0.00002.
gnomAD v4.1: 3 of 1,605,132 alleles (0.00019%); highest among the groups gnomAD compares: Admixed American, 0.0017%; no homozygotes.

Submission:

Labcorp Genetics (formerly Invitae), Labcorp
Classification: Uncertain significance for Leber congenital amaurosis 12. Last evaluated: 2022-08-08. Review status: criteria provided, single submitter. Criteria: Invitae Variant Classification Sherloc (09022015). Collection method: clinical testing. Allele origin: germline.
Comment: This sequence change replaces proline, which is neutral and non-polar, with histidine, which is basic and polar, at codon 187 of the RD3 protein (p.Pro187His). This variant is not present in population databases (gnomAD no frequency). This variant has not been reported in the literature in individuals affected with RD3-related conditions. ClinVar contains an entry for this variant (Variation ID: 1488062). Algorithms developed to predict the effect of missense changes on protein structure and function (SIFT, PolyPhen-2, Align-GVGD) all suggest that this variant is likely to be disruptive. In summary, the available evidence is currently insufficient to determine the role of this variant in disease. Therefore, it has been classified as a Variant of Uncertain Significance.

NM_001164688.2(RD3):c.560C>A (p.Pro187His)

Gene: RD3 (RD3 regulator of GUCY2D; minus strand). Cytogenetic location: 1q32.3.
Variant type: single nucleotide variant.
Coding change: c.560C>A on transcript NM_001164688.2 (MANE Select); coding-DNA position 560, C replaced by A.
Protein change: p.Pro187His; replaces proline 187 with histidine.
Molecular consequence: missense variant.
Genome position (GRCh38, 1-based): chr1:211,479,064, G>T on the plus strand (C>A on the coding strand, the complement: RD3 is on the minus strand). VCF-style: chr1-211479064-G-T. GRCh37 (hg19) VCF-style: chr1-211652406-G-T.
Other names: c.560C>A, p.Pro187His (NM_183059.3); short protein forms P187H.
Identifiers: ClinVar variation 1488062 (VCV001488062.6), dbSNP rs1268167803, ClinGen allele CA344878576.